The following is an entry in ClinVar:

NM_001407.3(CELSR3):c.1650C>T (p.Tyr550=)

Gene: CELSR3 (cadherin EGF LAG seven-pass G-type receptor 3; minus strand). Cytogenetic location: 3p21.31.
Variant type: single nucleotide variant.
Coding change: c.1650C>T on transcript NM_001407.3 (MANE Select); coding-DNA position 1650, C replaced by T.
Protein change: p.Tyr550=; no amino-acid change (tyrosine 550 retained).
Molecular consequence: synonymous variant.
Genome position (GRCh38, 1-based): chr3:48,660,985, G>A on the plus strand (C>T on the coding strand, the complement: CELSR3 is on the minus strand). VCF-style: chr3-48660985-G-A. GRCh37 (hg19) VCF-style: chr3-48698418-G-A.
Identifiers: ClinVar variation 3037911 (VCV003037911.3), dbSNP rs138985126, ClinGen allele CA2385393.
Genomic context (GRCh38, chr3:48,660,985, plus strand): 5'-AGTGGCCGTGACGCGCAGCACGACTGTGTGGGGGCGCACATCCTCGCGCACCTGCGCCAC[G>A]TAGCGCTTCTCGCTGAACTGAGGAGCATTGTCGTTCTCGTCTAGCACAGTTATGTGTACG-3'
Protein context (NP_001398.2, residues 540-560): DNAPQFSEKR[Tyr550=]VAQVREDVRP

ClinVar aggregate classification (germline): Likely benign. Review status: criteria provided, single submitter (1 of 4 stars). 2 submissions from 2 submitters: Likely benign (1). 1 of the submissions does not count toward it. Last evaluated 2024-10-17.

Conditions:
CELSR3-related disorder. Also called: CELSR3-related condition.

Allele frequency attached by ClinVar (database versions not stated): gnomAD exomes 0.00028; ExAC 0.00029; TOPMed 0.00031; gnomAD 0.00033; ESP Exome Variant Server 0.00046.
gnomAD v4.1: 459 of 1,613,800 alleles (0.028%); highest among the groups gnomAD compares: Non-Finnish European, 0.029%; 2 homozygotes.

Submissions (2):

Blueprint Genetics
Classification: Likely benign. Last evaluated: 2024-10-17. Review status: criteria provided, single submitter. Criteria: ACMG Guidelines, 2015. Collection method: clinical testing. Allele origin: germline.

PreventionGenetics, part of Exact Sciences
Classification: Likely benign for CELSR3-related condition. Last evaluated: 2019-10-30. Review status: no assertion criteria provided. Collection method: clinical testing. Allele origin: germline. Not counted in ClinVar's aggregate classification.
Comment: This variant is classified as likely benign based on ACMG/AMP sequence variant interpretation guidelines (Richards et al. 2015 PMID: 25741868, with internal and published modifications).